The following is an entry in ClinVar:

NM_000642.3(AGL):c.3755A>G (p.Asn1252Ser)

Gene: AGL (amylo-alpha-1,6-glucosidase and 4-alpha-glucanotransferase; plus strand). Cytogenetic location: 1p21.2.
Variant type: single nucleotide variant.
Coding change: c.3755A>G on transcript NM_000642.3 (MANE Select); coding-DNA position 3755, A replaced by G.
Protein change: p.Asn1252Ser; replaces asparagine 1252 with serine.
Molecular consequence: missense variant.
Genome position (GRCh38, 1-based): chr1:99,910,766, A>G. VCF-style: chr1-99910766-A-G. GRCh37 (hg19) VCF-style: chr1-100376322-A-G.
Other names: c.3707A>G, p.Asn1236Ser (NM_000646.3); c.3755A>G, p.Asn1252Ser (NM_001425325.1, NM_000028.3, NM_000643.3 and 1 more transcripts); c.3734A>G, p.Asn1245Ser (NM_001425326.1); c.3554A>G, p.Asn1185Ser (NM_001425327.1); c.3551A>G, p.Asn1184Ser (NM_001425328.1); c.3416A>G, p.Asn1139Ser (NM_001425329.1); c.3377A>G, p.Asn1126Ser (NM_001425332.1); short protein forms N1252S, N1236S, N1126S, N1139S, N1184S, N1185S, N1245S.
Identifiers: ClinVar variation 938331 (VCV000938331.10), dbSNP rs1654691063, ClinGen allele CA341337637.

ClinVar aggregate classification (germline): Uncertain significance (1 of 4 stars; one submission).

Conditions:
Glycogen storage disease type III (GSD3). Also called: Cori disease; FORBES DISEASE. Identifiers: Orphanet 366, MedGen C0017922, MONDO:0009291, OMIM 232400.

Submission:

Labcorp Genetics (formerly Invitae), Labcorp
Classification: Uncertain significance for Glycogen storage disease type III. Last evaluated: 2019-08-24. Review status: criteria provided, single submitter. Criteria: Invitae Variant Classification Sherloc (09022015). Collection method: clinical testing. Allele origin: germline.
Comment: In summary, the available evidence is currently insufficient to determine the role of this variant in disease. Therefore, it has been classified as a Variant of Uncertain Significance. This sequence change replaces asparagine with serine at codon 1252 of the AGL protein (p.Asn1252Ser). The asparagine residue is highly conserved and there is a small physicochemical difference between asparagine and serine. This variant is not present in population databases (ExAC no frequency). This variant has not been reported in the literature in individuals with AGL-related conditions. Algorithms developed to predict the effect of missense changes on protein structure and function are either unavailable or do not agree on the potential impact of this missense change (SIFT: "Tolerated"; PolyPhen-2: "Probably Damaging"; Align-GVGD: "Class C0").